The following is an entry in ClinVar:

NM_003839.4(TNFRSF11A):c.336C>T (p.Cys112=)

Gene: TNFRSF11A (TNF receptor superfamily member 11a; plus strand). Cytogenetic location: 18q21.33.
Variant type: single nucleotide variant.
Coding change: c.336C>T on transcript NM_003839.4 (MANE Select); coding-DNA position 336, C replaced by T.
Protein change: p.Cys112=; no amino-acid change (cysteine 112 retained).
Molecular consequence: synonymous variant.
Genome position (GRCh38, 1-based): chr18:62,354,443, C>T. VCF-style: chr18-62354443-C-T. GRCh37 (hg19) VCF-style: chr18-60021676-C-T.
Other names: c.336C>T, p.Cys112= (NM_001270949.2, NM_001270950.2, NM_001270951.2 and 1 more transcripts); c.336C>T (NM_003839.3).
Identifiers: ClinVar variation 1504431 (VCV001504431.10), dbSNP rs1302537567, ClinGen allele CA504077277.

ClinVar aggregate classification (germline): Likely benign. Review status: criteria provided, single submitter (1 of 4 stars). 2 submissions from 2 submitters: Likely benign (1). 1 of the submissions does not count toward it. Last evaluated 2026-01-05.

Conditions:
TNFRSF11A-related disorder. Also called: TNFRSF11A-related condition.

Allele frequency attached by ClinVar (database versions not stated): TOPMed 0.00002; gnomAD exomes 0.00001.
gnomAD v4.1: 13 of 1,599,238 alleles (0.00081%); highest among the groups gnomAD compares: Admixed American, 0.0067%; no homozygotes.

Submissions (2):

Labcorp Genetics (formerly Invitae), Labcorp
Classification: Likely benign. Last evaluated: 2026-01-05. Review status: criteria provided, single submitter. Criteria: Invitae Variant Classification Sherloc (09022015). Collection method: clinical testing. Allele origin: germline.

PreventionGenetics, part of Exact Sciences
Classification: Likely benign for TNFRSF11A-related condition. Last evaluated: 2023-11-22. Review status: no assertion criteria provided. Collection method: clinical testing. Allele origin: germline. Not counted in ClinVar's aggregate classification.
Comment: This variant is classified as likely benign based on ACMG/AMP sequence variant interpretation guidelines (Richards et al. 2015 PMID: 25741868, with internal and published modifications).